The following is an entry in ClinVar:

ClinVar aggregate classification (germline): Uncertain significance (1 of 4 stars; one submission).

Allele frequency attached by ClinVar (database versions not stated): ExAC 0.00002; TOPMed 0.00002; gnomAD 0.00003; 1000 Genomes Project 0.00020; 1000 Genomes Project 30x 0.00031.
gnomAD v4.1: 28 of 1,612,792 alleles (0.0017%); highest among the groups gnomAD compares: Admixed American, 0.018%; no homozygotes.

Submission:

Labcorp Genetics (formerly Invitae), Labcorp
Classification: Uncertain significance. Last evaluated: 2022-11-22. Review status: criteria provided, single submitter. Criteria: Invitae Variant Classification Sherloc (09022015). Collection method: clinical testing. Allele origin: germline.
Comment: Algorithms developed to predict the effect of missense changes on protein structure and function output the following: SIFT: "Tolerated"; PolyPhen-2: "Benign"; Align-GVGD: "Class C0". The methionine amino acid residue is found in multiple mammalian species, which suggests that this missense change does not adversely affect protein function. This variant has not been reported in the literature in individuals affected with IARS2-related conditions. This variant is present in population databases (rs575729552, gnomAD 0.006%). This sequence change replaces threonine, which is neutral and polar, with methionine, which is neutral and non-polar, at codon 486 of the IARS2 protein (p.Thr486Met). In summary, the available evidence is currently insufficient to determine the role of this variant in disease. Therefore, it has been classified as a Variant of Uncertain Significance.

NM_018060.4(IARS2):c.1457C>T (p.Thr486Met)

Gene: IARS2 (isoleucyl-tRNA synthetase 2, mitochondrial; plus strand). Cytogenetic location: 1q41.
Variant type: single nucleotide variant.
Coding change: c.1457C>T on transcript NM_018060.4 (MANE Select); coding-DNA position 1457, C replaced by T.
Protein change: p.Thr486Met; replaces threonine 486 with methionine.
Molecular consequence: missense variant.
Genome position (GRCh38, 1-based): chr1:220,110,915, C>T. VCF-style: chr1-220110915-C-T. GRCh37 (hg19) VCF-style: chr1-220284257-C-T.
Other names: short protein forms T486M.
Identifiers: ClinVar variation 1988657 (VCV001988657.2), dbSNP rs575729552, ClinGen allele CA1401425.